The following is an entry in ClinVar:

NM_001040108.2(MLH3):c.3624T>G (p.Thr1208=)

Gene: MLH3 (mutL homolog 3; minus strand). Cytogenetic location: 14q24.3.
Variant type: single nucleotide variant.
Coding change: c.3624T>G on transcript NM_001040108.2 (MANE Select); coding-DNA position 3624, T replaced by G.
Protein change: p.Thr1208=; no amino-acid change (threonine 1208 retained).
Molecular consequence: synonymous variant.
Genome position (GRCh38, 1-based): chr14:75,038,359, A>C on the plus strand (T>G on the coding strand, the complement: MLH3 is on the minus strand). VCF-style: chr14-75038359-A-C. GRCh37 (hg19) VCF-style: chr14-75505062-A-C.
Other names: c.3624T>G, p.Thr1208= (NM_014381.3).
Identifiers: ClinVar variation 5042231 (VCV005042231.1).

ClinVar aggregate classification (germline): Benign (1 of 4 stars; one submission).

Conditions:
Colorectal cancer, hereditary nonpolyposis, type 7. Identifiers: Orphanet 144, MedGen C1858380, MONDO:0013725, OMIM 614385.

Submission:

Myriad Genetics, Inc.
Classification: Benign for Colorectal cancer, hereditary nonpolyposis, type 7. Last evaluated: 2026-09-18. Review status: criteria provided, single submitter. Criteria: Myriad Autosomal Dominant, Autosomal Recessive and X-Linked Classification Criteria (2023). Collection method: clinical testing. Allele origin: unknown.
Comment: This variant is considered benign. This variant is a silent/synonymous amino acid change and it is not expected to impact splicing.